The following is an entry in ClinVar:

NM_004839.4(HOMER2):c.107A>G (p.Tyr36Cys)

Gene: HOMER2 (homer scaffold protein 2; minus strand). Cytogenetic location: 15q25.2.
Variant type: single nucleotide variant.
Coding change: c.107A>G on transcript NM_004839.4 (MANE Select); coding-DNA position 107, A replaced by G.
Protein change: p.Tyr36Cys; replaces tyrosine 36 with cysteine.
Molecular consequence: missense variant.
Genome position (GRCh38, 1-based): chr15:82,892,740, T>C on the plus strand (A>G on the coding strand, the complement: HOMER2 is on the minus strand). VCF-style: chr15-82892740-T-C. GRCh37 (hg19) VCF-style: chr15-83561492-T-C.
Other names: c.107A>G, p.Tyr36Cys (NM_199330.3); short protein forms Y36C.
Identifiers: ClinVar variation 2691537 (VCV002691537.1), dbSNP rs764914254, ClinGen allele CA7702273.

ClinVar aggregate classification (germline): Uncertain significance (1 of 4 stars; one submission).

Allele frequency attached by ClinVar (database versions not stated): gnomAD exomes below 0.00001; ExAC 0.00001.
gnomAD v4.1: 2 of 1,605,408 alleles (0.00012%); highest among the groups gnomAD compares: South Asian, 0.0011%; no homozygotes.

Submission:

Women's Health and Genetics/Laboratory Corporation of America, LabCorp
Classification: Uncertain significance. Last evaluated: 2023-12-01. Review status: criteria provided, single submitter. Criteria: LabCorp Variant Classification Summary - May 2015. Collection method: clinical testing. Allele origin: germline.
Comment: Variant summary: HOMER2 c.107A>G (p.Tyr36Cys) results in a non-conservative amino acid change located in the WH1/EVH1 domain (IPR000697) of the encoded protein sequence. Four of five in-silico tools predict a damaging effect of the variant on protein function. The variant allele was found at a frequency of 4e-06 in 248880 control chromosomes (i.e., 1 heterozygote; gnomAD v2.1.1 Exomes dataset). The available data on variant occurrences in the general population are insufficient to allow any conclusion about variant significance. To our knowledge, no occurrence of c.107A>G in individuals affected with Autosomal Dominant Nonsyndromic Hearing Loss 68 and no experimental evidence demonstrating its impact on protein function have been reported. No submitters have reported clinical-significance assessments for this variant to ClinVar after 2014. Based on the evidence outlined above, the variant was classified as uncertain significance.